The following is an entry in ClinVar:

ClinVar aggregate classification (germline): Likely benign. Review status: criteria provided, multiple submitters, no conflicts (2 of 4 stars). 6 submissions from 6 submitters: Likely benign (5). 1 of the submissions does not count toward it. Last evaluated 2026-01-07.

Conditions:
PRRT2-Related Disorder. Also called: PRRT2-related disorders. Identifiers: MedGen CN381059.
Episodic kinesigenic dyskinesia (EKD). Also called: Paroxysmal kinesigenic dyskinesia. Identifiers: Orphanet 98809, MedGen C1868682, MONDO:0044202.
Inborn genetic diseases. Identifiers: MedGen C0950123, MeSH D030342.
Infantile convulsions and choreoathetosis (ICCA). Also called: PAROXYSMAL KINESIGENIC DYSKINESIA WITH INFANTILE CONVULSIONS; PRRT2-Related Paroxysmal Kinesigenic Dyskinesia with Infantile Convulsions (PKD/IC). Identifiers: Orphanet 31709, MedGen C1865926, MONDO:0011178, OMIM 602066.
Episodic kinesigenic dyskinesia 1 (EKD1). Also called: PxMD-PRRT2; Dystonia 10; DYSTONIA, FAMILIAL PAROXYSMAL; PAROXYSMAL KINESIGENIC CHOREOATHETOSIS; PRRT2-Related Paroxysmal Kinesigenic Dyskinesia (PKD). Identifiers: Orphanet 98809, MedGen C4552000, MONDO:0100352, OMIM 128200, MONDO:0007494.
Seizures, benign familial infantile, 2 (BFIS2). Also called: CONVULSIONS, BENIGN FAMILIAL INFANTILE, 2. Identifiers: Orphanet 306, MedGen C1853995, MONDO:0011593, OMIM 605751.

Allele frequency attached by ClinVar (database versions not stated): TOPMed 0.00026; 1000 Genomes Project 0.00080; 1000 Genomes Project 30x 0.00125.
gnomAD v4.1: 584 of 1,582,356 alleles (0.037%); highest among the groups gnomAD compares: South Asian, 0.13%; 3 homozygotes.

Submissions (6):

Labcorp Genetics (formerly Invitae), Labcorp
Classification: Likely benign for Episodic kinesigenic dyskinesia. Last evaluated: 2026-01-07. Review status: criteria provided, single submitter. Criteria: Invitae Variant Classification Sherloc (09022015). Collection method: clinical testing. Allele origin: germline.

Fulgent Genetics
Classification: Likely benign for Episodic kinesigenic dyskinesia 1; Infantile convulsions and choreoathetosis; Seizures, benign familial infantile, 2. Last evaluated: 2022-02-14. Review status: criteria provided, single submitter. Criteria: ACMG Guidelines, 2015. Collection method: clinical testing. Allele origin: unknown.

GeneDx
Classification: Likely benign. Last evaluated: 2020-09-29. Review status: criteria provided, single submitter. Criteria: GeneDx Variant Classification Process June 2021. Collection method: clinical testing. Allele origin: germline. Affected: yes.
Comment: This variant is associated with the following publications: (PMID: 31124310, 26598494, 23363396, 26598493, 25502464, 23077024)

Ambry Genetics
Classification: Likely benign for Inborn genetic diseases. Last evaluated: 2017-11-28. Review status: criteria provided, single submitter. Criteria: Ambry Variant Classification Scheme 2023. Collection method: clinical testing. Allele origin: germline.

Eurofins Ntd Llc (ga)
Classification: Likely benign. Last evaluated: 2017-03-01. Review status: criteria provided, single submitter. Criteria: EGL Classification Definitions 2015. Collection method: clinical testing. Allele origin: germline. Observed: 3 variant alleles, 3 heterozygotes.

PreventionGenetics, part of Exact Sciences
Classification: Likely benign for PRRT2-related condition. Last evaluated: 2020-07-02. Review status: no assertion criteria provided. Collection method: clinical testing. Allele origin: germline. Not counted in ClinVar's aggregate classification.
Comment: This variant is classified as likely benign based on ACMG/AMP sequence variant interpretation guidelines (Richards et al. 2015 PMID: 25741868, with internal and published modifications).

Literature cited by the submitters: PubMed 23077024 (cited by Ambry Genetics); PubMed 23190448 (cited by Ambry Genetics); PubMed 23363396 (cited by Ambry Genetics); PubMed 25502464 (cited by Ambry Genetics); PubMed 26598494 (cited by Ambry Genetics).

NM_145239.3(PRRT2):c.647C>A (p.Pro216His)

Genes: MVP-DT (MVP divergent transcript; minus strand), PRRT2 (proline rich transmembrane protein 2; plus strand). Cytogenetic location: 16p11.2.
Variant type: single nucleotide variant.
Coding change: c.647C>A on transcript NM_145239.3 (MANE Select); coding-DNA position 647, C replaced by A.
Protein change: p.Pro216His; replaces proline 216 with histidine.
Molecular consequence: missense variant.
Genome position (GRCh38, 1-based): chr16:29,813,701, C>A. VCF-style: chr16-29813701-C-A. GRCh37 (hg19) VCF-style: chr16-29825022-C-A.
Other names: p.P216H:CCC>CAC; c.647C>A, p.Pro216His (NM_001256442.2, NM_001256443.2); c.647C>A (NM_001256442.1); short protein forms P216H.
Identifiers: ClinVar variation 206689 (VCV000206689.22), dbSNP rs76335820, ClinGen allele CA317031.
Genomic context (GRCh38, chr16:29,813,701, plus strand): 5'-CAGCCCCTGAGCCTCACTCACCACCCTCAAAAAAATCCCCCCCAGCCAATGGGGCCCCCC[C>A]CCGAGTGCTGCAGCAGCTGGTTGAGGAGGATCGAATGAGAAGGGCACACAGTGGGCATCC-3'
Protein context (NP_660282.2, residues 206-226): KKSPPANGAP[Pro216His]RVLQQLVEED